The following is an entry in ClinVar:

NM_018082.6(POLR3B):c.2899A>C (p.Ser967Arg)

Genes: POLR3B (RNA polymerase III subunit B; plus strand), RFX4-AS1 (RFX4 antisense RNA 1; minus strand). Cytogenetic location: 12q23.3.
Variant type: single nucleotide variant.
Coding change: c.2899A>C on transcript NM_018082.6 (MANE Select); coding-DNA position 2899, A replaced by C.
Protein change: p.Ser967Arg; replaces serine 967 with arginine.
Molecular consequence: missense variant.
Genome position (GRCh38, 1-based): chr12:106,496,833, A>C. VCF-style: chr12-106496833-A-C. GRCh37 (hg19) VCF-style: chr12-106890611-A-C.
Other names: NM_018082.6(POLR3B):c.2899A>C; p.Ser967Arg; c.2725A>C, p.Ser909Arg (NM_001160708.2); short protein forms S909R, S967R.
Identifiers: ClinVar variation 1184072 (VCV001184072.9), dbSNP rs200865021, ClinGen allele CA6762334.

ClinVar aggregate classification (germline): Uncertain significance. Review status: criteria provided, multiple submitters, no conflicts (2 of 4 stars). 5 submissions from 5 submitters: Uncertain significance (4). 1 of the submissions does not count toward it. Last evaluated 2024-08-20.

Conditions:
Inborn genetic diseases. Identifiers: MedGen C0950123, MeSH D030342.
Leukodystrophy, hypomyelinating, 8, with or without oligodontia and/or hypogonadotropic hypogonadism. Also called: LEUKODYSTROPHY, HYPOMYELINATING, 8, WITH HYPODONTIA AND HYPOGONADOTROPIC HYPOGONADISM; Hypomyelinating leukodystrophy 8 with or without oligodontia and-or hypogonadotropic hypogonadism; Endosteal sclerosis-cerebellar hypoplasia syndrome. Identifiers: Orphanet 85186, Orphanet 88637, MedGen C3280644, MONDO:0013722, OMIM 614381.
Charcot-Marie-Tooth disease, demyelinating, IIA 1I. Also called: CHARCOT-MARIE-TOOTH NEUROPATHY, TYPE 1I; Charcot-Marie-Tooth disease, demyelinating, type 1I. Identifiers: MedGen C5676914, MONDO:0030677, OMIM 619742.

Allele frequency attached by ClinVar (database versions not stated): gnomAD exomes 0.00002 and 0.00001; ExAC 0.00001.
gnomAD v4.1: 15 of 1,614,140 alleles (0.00093%); highest among the groups gnomAD compares: Non-Finnish European, 0.0012%; no homozygotes.

Submissions (5):

Labcorp Genetics (formerly Invitae), Labcorp
Classification: Uncertain significance. Last evaluated: 2024-08-20. Review status: criteria provided, single submitter. Criteria: Invitae Variant Classification Sherloc (09022015). Collection method: clinical testing. Allele origin: germline.
Comment: This sequence change replaces serine, which is neutral and polar, with arginine, which is basic and polar, at codon 967 of the POLR3B protein (p.Ser967Arg). This variant is present in population databases (rs200865021, gnomAD 0.004%). This missense change has been observed in individual(s) with leukodystrophy (PMID: 25339210). ClinVar contains an entry for this variant (Variation ID: 1184072). Invitae Evidence Modeling of protein sequence and biophysical properties (such as structural, functional, and spatial information, amino acid conservation, physicochemical variation, residue mobility, and thermodynamic stability) has been performed for this missense variant. However, the output from this modeling did not meet the statistical confidence thresholds required to predict the impact of this variant on POLR3B protein function. In summary, the available evidence is currently insufficient to determine the role of this variant in disease. Therefore, it has been classified as a Variant of Uncertain Significance.

Broad Center for Mendelian Genomics, Broad Institute of MIT and Harvard
Classification: Uncertain significance for Leukodystrophy, hypomyelinating, 8, with or without oligodontia and/or hypogonadotropic hypogonadism. Last evaluated: 2022-02-28. Review status: criteria provided, single submitter. Criteria: ACMG Guidelines, 2015. Collection method: curation. Allele origin: germline. Inheritance: Autosomal recessive inheritance.
Comment: The p.Leu727Ser variant in POLR3B has been reported in 1 individual in the compound heterozygous state with 4H leukodystrophy (PMID: 25339210), and has been identified in 0.004% (4/113750) of European (non-Finnish) chromosomes by the Genome Aggregation Database (gnomAD; dbSNP ID: rs200865021). Although this variant has been seen in the general population in a heterozygous state, its frequency is low enough to be consistent with a recessive carrier frequency. This variant has also been reported in ClinVar (Variation ID#: 1184072) and has been interpreted as pathogenic by GeneReviews. Computational prediction tools and conservation analyses suggest that this variant may impact the protein, though this information is not predictive enough to determine pathogenicity. The number of missense variants reported in POLR3B in the general population is lower than expected, suggesting there is little benign variation in this gene and slightly increasing the possibility that a missense variant in this gene may not be tolerated. In summary, the clinical significance of the p.Leu727Ser variant is uncertain. ACMG/AMP Criteria applied: PM2_supporting, PP3, PP2 (Richards 2015).

Ambry Genetics
Classification: Uncertain significance for Inborn genetic diseases. Last evaluated: 2021-12-22. Review status: criteria provided, single submitter. Criteria: Ambry Variant Classification Scheme 2023. Collection method: clinical testing. Allele origin: germline.
Comment: (Wolf, 2014) Based on insufficient or conflicting evidence, the clinical significance of this alteration remains unclear.

Molecular Diagnostics Lab, Nemours Children's Health, Delaware
Classification: Uncertain significance for Charcot-Marie-Tooth disease, demyelinating, IIA 1I. Last evaluated: 2020-12-23. Review status: criteria provided, single submitter. Criteria: ACMG Guidelines, 2015. Collection method: clinical testing. Allele origin: unknown. Inheritance: Autosomal recessive inheritance. Affected: yes. Observed: 2 compound heterozygotes. Clinical features observed: Nystagmus (HP:0000639), Spastic paraplegia (HP:0001258), CNS hypomyelination (HP:0003429).
Comment: This missense variant (c.2899A>C, p.Ser967Arg) has been observed at extremely low frequency in population databases (gnomAD) and has been reported in the literature (PMID 25339210) . Variant predication programs suggest a deleterious effect, but no functional studies have been publishd.

GeneReviews
No classification provided. Condition: Leukodystrophy, hypomyelinating, 8, with or without oligodontia and/or hypogonadotropic hypogonadism. Review status: no classification provided. Collection method: literature only. Allele origin: germline. Not counted in ClinVar's aggregate classification.

Literature cited by the submitters: PubMed 25339210 (cited by 3 submitters); PubMed 22855961 (cited by GeneReviews).